The following is an entry in ClinVar:

NM_002458.3(MUC5B):c.14439G>A (p.Leu4813=)

Gene: MUC5B (mucin 5B, oligomeric mucus/gel-forming; plus strand). Cytogenetic location: 11p15.5.
Variant type: single nucleotide variant.
Coding change: c.14439G>A on transcript NM_002458.3 (MANE Select); coding-DNA position 14439, G replaced by A.
Protein change: p.Leu4813=; no amino-acid change (leucine 4813 retained).
Molecular consequence: synonymous variant.
Genome position (GRCh38, 1-based): chr11:1,251,319, G>A. VCF-style: chr11-1251319-G-A. GRCh37 (hg19) VCF-style: chr11-1272549-G-A.
Identifiers: ClinVar variation 2641306 (VCV002641306.24), dbSNP rs1377841711, ClinGen allele CA472455616.
Genomic context (GRCh38, chr11:1,251,319, plus strand): 5'-GACCACCACAGCCACCATGACAAGGGCCACCAATTCCACGGCCACACCCTCCTCCACTCT[G>A]GGGACGACCCGGATCCTCACTGAGCTGACCACAACAGCCACTACAACTGCAGCCACTGGA-3'
Protein context (NP_002449.2, residues 4803-4823): TNSTATPSST[Leu4813=]GTTRILTELT

ClinVar aggregate classification (germline): Likely benign (1 of 4 stars; one submission).

Submission:

CeGaT Center for Human Genetics Tuebingen
Classification: Likely benign. Last evaluated: 2024-10-01. Review status: criteria provided, single submitter. Criteria: CeGaT Center For Human Genetics Tuebingen Variant Classification Criteria Version 2. Collection method: clinical testing. Allele origin: germline. Affected: yes. Observed: 2 variant alleles.
Comment: MUC5B: PM2:Supporting, BP4, BP7